The following is an entry in ClinVar:

NM_001367624.2(ZNF469):c.6378C>A (p.Ser2126Arg)

Gene: ZNF469 (zinc finger protein 469; plus strand). Cytogenetic location: 16q24.2.
Variant type: single nucleotide variant.
Coding change: c.6378C>A on transcript NM_001367624.2 (MANE Select); coding-DNA position 6378, C replaced by A.
Protein change: p.Ser2126Arg; replaces serine 2126 with arginine.
Molecular consequence: missense variant.
Genome position (GRCh38, 1-based): chr16:88,433,848, C>A. VCF-style: chr16-88433848-C-A. GRCh37 (hg19) VCF-style: chr16-88500256-C-A.
Other names: short protein forms S2126R.
Identifiers: ClinVar variation 3611550 (VCV003611550.1).

ClinVar aggregate classification (germline): Uncertain significance (1 of 4 stars; one submission).

gnomAD v4.1: 10 of 1,549,674 alleles (0.00065%); highest among the groups gnomAD compares: South Asian, 0.0071%; no homozygotes.

Submission:

Labcorp Genetics (formerly Invitae), Labcorp
Classification: Uncertain significance. Last evaluated: 2024-08-06. Review status: criteria provided, single submitter. Criteria: Invitae Variant Classification Sherloc (09022015). Collection method: clinical testing. Allele origin: germline.
Comment: This sequence change replaces serine, which is neutral and polar, with arginine, which is basic and polar, at codon 2098 of the ZNF469 protein (p.Ser2098Arg). This variant is present in population databases (rs758964921, gnomAD 0.02%). This variant has not been reported in the literature in individuals affected with ZNF469-related conditions. An algorithm developed to predict the effect of missense changes on protein structure and function outputs the following: PolyPhen-2: "Benign". The arginine amino acid residue is found in multiple mammalian species, which suggests that this missense change does not adversely affect protein function. In summary, the available evidence is currently insufficient to determine the role of this variant in disease. Therefore, it has been classified as a Variant of Uncertain Significance.